The following is an entry in ClinVar:

NM_001458.5(FLNC):c.1156G>T (p.Glu386Ter)

Gene: FLNC (filamin C; plus strand). Cytogenetic location: 7q32.1.
Variant type: single nucleotide variant.
Coding change: c.1156G>T on transcript NM_001458.5 (MANE Select); coding-DNA position 1156, G replaced by T.
Protein change: p.Glu386Ter; replaces glutamic acid 386 with a stop codon.
Molecular consequence: nonsense.
Genome position (GRCh38, 1-based): chr7:128,838,375, G>T. VCF-style: chr7-128838375-G-T. GRCh37 (hg19) VCF-style: chr7-128478429-G-T.
Other names: c.1156G>T, p.Glu386Ter (NM_001127487.2); short protein forms E386*.
Identifiers: ClinVar variation 2947265 (VCV002947265.5), dbSNP rs1204536261, ClinGen allele CA369223813.
Genomic context (GRCh38, chr7:128,838,375, plus strand): 5'-GTGAACGTGGGCATGGCCCTGGGAGATGCCAACAAGGTGTCAGCCCGTGGCCCTGGCCTG[G>T]AACCTGTGGGCAATGTGGCCAACAAACCCACCTACTTTGACATCTACACTGCGGGTAGGA-3'

ClinVar aggregate classification (germline): Pathogenic. Review status: criteria provided, multiple submitters, no conflicts (2 of 4 stars). 2 submissions from 2 submitters: Pathogenic (2). Last evaluated 2025-03-26.

Conditions:
Primary dilated cardiomyopathy (DCM). Also called: Dilated Cardiomyopathy. Identifiers: Orphanet 217604, MedGen C0007193, MeSH D002311, MONDO:0005021, HP:0001644. Inheritance: Various modes of inheritance.
Hypertrophic cardiomyopathy 26. Also called: Cardiomyopathy, familial hypertrophic, 26. Identifiers: Orphanet 75249, MedGen C4310749, MONDO:0014883, OMIM 617047.
Myofibrillar myopathy 5. Also called: Filaminopathy (type); FILAMINOPATHY, AUTOSOMAL DOMINANT. Identifiers: Orphanet 171445, MedGen C1836050, MONDO:0012289, OMIM 609524.
Distal myopathy with posterior leg and anterior hand involvement. Also called: WILLIAMS DISTAL MYOPATHY. Identifiers: Orphanet 63273, MedGen C3279722, MONDO:0013550, OMIM 614065.

gnomAD v4.1: 1 of 1,614,074 alleles (0.000062%); highest among the groups gnomAD compares: Non-Finnish European, 0.000085%; no homozygotes.

Submissions (2):

Victorian Clinical Genetics Services, Murdoch Childrens Research Institute
Classification: Pathogenic for Primary dilated cardiomyopathy. Last evaluated: 2025-03-26. Review status: criteria provided, single submitter. Criteria: ACMG Guidelines, 2015. Collection method: clinical testing. Allele origin: germline.
Comment: This variant is classified as Pathogenic. Evidence in support of pathogenic classification: Variant is predicted to cause nonsense-mediated decay (NMD) and loss of protein (premature termination codon is located at least 54 nucleotides upstream of the final exon-exon junction); Variant is present in gnomAD <0.001 for a dominant condition (v4: 1 heterozygote(s), 0 homozygote(s)); This variant has limited previous evidence of pathogenicity in an unrelated individual(s). This variant has been classified as pathogenic by a clinical laboratory in ClinVar; Other NMD-predicted variant(s) comparable to the one identified in this case have very strong previous evidence for pathogenicity (DECIPHER). Additional information: This variant is heterozygous; This gene is associated with autosomal dominant disease. Variants located throughout the gene that are predicted to result in nonsense-mediated decay (NMD) are enriched in dilated cardiomyopathy, whereas missense variants in the ROD2 domain are enriched in familial hypertrophic cardiomyopathy 26 and familial restrictive cardiomyopathy 5 (MIM#617047). Additionally, myofibrillar myopathy 5 (MIM#609524) is known to result from either missense variants in the ROD2 domain or truncating variants in the Ig-like domain 24, while missense variants in the actin-binding domain and NMD-predicted variants located in the Ig-like domain 15 and have been reported for distal myopathy 4 (MIM#614065) (PMID: 32112656); No published segregation evidence has been identified for this variant; No published functional evidence has been identified for this variant; Loss of function and gain of function are known mechanisms of disease in this gene. Loss of function is the established mechanism of disease for variants in dilated cardiomyopathy (PMID: 32112656), familial hypertrophic cardiomyopathy 26 (MIM#617047), familial restrictive cardiomyopathy 5 (MIM#617047), familial arrhythmogenic right ventricular dysplasia (MIM#617047), and myofibrillar myopathy 5 (MIM#609524). In distal myopathy 4 (MIM#614065), NMD-predicted variants cause a loss of function, however missense variants have been shown to result in a toxic gain of function (PMID: 32112656); Inheritance information for this variant is not currently available in this individual.

Labcorp Genetics (formerly Invitae), Labcorp
Classification: Pathogenic for Distal myopathy with posterior leg and anterior hand involvement; Myofibrillar myopathy 5; Hypertrophic cardiomyopathy 26. Last evaluated: 2024-02-17. Review status: criteria provided, single submitter. Criteria: Invitae Variant Classification Sherloc (09022015). Collection method: clinical testing. Allele origin: germline.
Comment: This sequence change creates a premature translational stop signal (p.Glu386*) in the FLNC gene. It is expected to result in an absent or disrupted protein product. Loss-of-function variants in FLNC are known to be pathogenic (PMID: 27908349). This variant is not present in population databases (gnomAD no frequency). This variant has not been reported in the literature in individuals affected with FLNC-related conditions. For these reasons, this variant has been classified as Pathogenic.

Literature cited by the submitters: PubMed 32112656 (cited by Victorian Clinical Genetics Services, Murdoch Childrens Research Institute); PubMed 27908349 (cited by Labcorp Genetics (formerly Invitae), Labcorp).